The following is an entry in ClinVar:

NM_001371928.1(AHDC1):c.483C>T (p.Gly161=)

Gene: AHDC1 (AT-hook DNA binding motif containing 1; minus strand). Cytogenetic location: 1p36.11.
Variant type: single nucleotide variant.
Coding change: c.483C>T on transcript NM_001371928.1 (MANE Select); coding-DNA position 483, C replaced by T.
Protein change: p.Gly161=; no amino-acid change (glycine 161 retained).
Molecular consequence: synonymous variant.
Genome position (GRCh38, 1-based): chr1:27,551,633, G>A on the plus strand (C>T on the coding strand, the complement: AHDC1 is on the minus strand). VCF-style: chr1-27551633-G-A. GRCh37 (hg19) VCF-style: chr1-27878144-G-A.
Other names: c.483C>T, p.Gly161= (NM_001029882.3).
Identifiers: ClinVar variation 1167406 (VCV001167406.16), dbSNP rs112583157, ClinGen allele CA716142.

ClinVar aggregate classification (germline): Benign. Review status: criteria provided, multiple submitters, no conflicts (2 of 4 stars). 5 submissions from 5 submitters: Benign (4). 1 of the submissions does not count toward it. Last evaluated 2026-02-03.

Conditions:
AHDC1-related intellectual disability - obstructive sleep apnea - mild dysmorphism syndrome. Also called: Xia-Gibbs syndrome. Identifiers: Orphanet 412069, MedGen C4014419, MONDO:0014358, OMIM 615829.
AHDC1-related disorder. Also called: AHDC1-related condition.

Allele frequency attached by ClinVar (database versions not stated): TOPMed 0.02399; ExAC 0.02652; 1000 Genomes Project 0.03155; 1000 Genomes Project 30x 0.03389; gnomAD exomes 0.03585 and 0.00903; gnomAD 0.01719 and 0.01773; ESP Exome Variant Server 0.00208.
gnomAD v4.1: 15,902 of 1,613,558 alleles (0.99%); highest among the groups gnomAD compares: Admixed American, 19%; 1,430 homozygotes.

Submissions (16):

Labcorp Genetics (formerly Invitae), Labcorp
Classification: Benign. Last evaluated: 2026-02-03. Review status: criteria provided, single submitter. Criteria: Invitae Variant Classification Sherloc (09022015). Collection method: clinical testing. Allele origin: germline.

Genome-Nilou Lab
Classification: Benign for AHDC1-related intellectual disability - obstructive sleep apnea - mild dysmorphism syndrome. Last evaluated: 2021-12-05. Review status: criteria provided, single submitter. Criteria: ACMG Guidelines, 2015. Collection method: clinical testing. Allele origin: germline. Affected: no.

GeneDx
Classification: Benign. Last evaluated: 2018-09-18. Review status: criteria provided, single submitter. Criteria: GeneDx Variant Classification Process June 2021. Collection method: clinical testing. Allele origin: germline. Affected: yes.

Breakthrough Genomics
Classification: Benign. Review status: criteria provided, single submitter. Criteria: ACMG Guidelines, 2015. Collection method: not provided. Allele origin: germline. Inheritance: Autosomal dominant inheritance. Affected: yes.

PreventionGenetics, part of Exact Sciences
Classification: Benign for AHDC1-related condition. Last evaluated: 2019-08-01. Review status: no assertion criteria provided. Collection method: clinical testing. Allele origin: germline. Not counted in ClinVar's aggregate classification.
Comment: This variant is classified as benign based on ACMG/AMP sequence variant interpretation guidelines (Richards et al. 2015 PMID: 25741868, with internal and published modifications).

Dr. Peter K. Rogan Lab, Western University
No classification provided (evidence only). Condition: Lung cancer. Review status: no classification provided. Collection method: in vitro. Allele origin: not applicable. Functional consequence: retained intron. Not counted in ClinVar's aggregate classification.

Dr. Peter K. Rogan Lab, Western University
No classification provided (evidence only). Condition: Familial cancer of breast. Review status: no classification provided. Collection method: in vitro. Allele origin: not applicable. Functional consequence: retained intron. Not counted in ClinVar's aggregate classification.

Dr. Peter K. Rogan Lab, Western University
No classification provided (evidence only). Condition: Familial cancer of breast. Review status: no classification provided. Collection method: in vitro. Allele origin: not applicable. Functional consequence: skipped exon. Not counted in ClinVar's aggregate classification.

Dr. Peter K. Rogan Lab, Western University
No classification provided (evidence only). Condition: Familial cancer of breast. Review status: no classification provided. Collection method: in vitro. Allele origin: not applicable. Functional consequence: retained intron. Not counted in ClinVar's aggregate classification.

Dr. Peter K. Rogan Lab, Western University
No classification provided (evidence only). Condition: Thyroid cancer, nonmedullary, 1. Review status: no classification provided. Collection method: in vitro. Allele origin: not applicable. Functional consequence: retained intron. Not counted in ClinVar's aggregate classification.

Dr. Peter K. Rogan Lab, Western University
No classification provided (evidence only). Condition: Cervical cancer. Review status: no classification provided. Collection method: in vitro. Allele origin: not applicable. Functional consequence: retained intron. Not counted in ClinVar's aggregate classification.

Dr. Peter K. Rogan Lab, Western University
No classification provided (evidence only). Condition: Cervical cancer. Review status: no classification provided. Collection method: in vitro. Allele origin: not applicable. Functional consequence: retained intron. Not counted in ClinVar's aggregate classification.

Dr. Peter K. Rogan Lab, Western University
No classification provided (evidence only). Condition: Hepatocellular carcinoma. Review status: no classification provided. Collection method: in vitro. Allele origin: not applicable. Functional consequence: retained intron. Not counted in ClinVar's aggregate classification.

Dr. Peter K. Rogan Lab, Western University
No classification provided (evidence only). Condition: Thymoma. Review status: no classification provided. Collection method: in vitro. Allele origin: not applicable. Functional consequence: retained intron. Not counted in ClinVar's aggregate classification.

Dr. Peter K. Rogan Lab, Western University
No classification provided (evidence only). Condition: Adrenocortical carcinoma, hereditary. Review status: no classification provided. Collection method: in vitro. Allele origin: not applicable. Functional consequence: retained intron. Not counted in ClinVar's aggregate classification.

Dr. Peter K. Rogan Lab, Western University
No classification provided (evidence only). Condition: Malignant tumor of esophagus. Review status: no classification provided. Collection method: in vitro. Allele origin: not applicable. Functional consequence: retained intron. Not counted in ClinVar's aggregate classification.